The following is an entry in ClinVar:

ClinVar aggregate classification (germline): Uncertain significance (1 of 4 stars; one submission).

Conditions:
Joubert syndrome 23 (JBTS23). Identifiers: Orphanet 475, MedGen C4084822, MONDO:0014664, OMIM 616490.
Short-rib thoracic dysplasia 14 with polydactyly (SRTD14). Identifiers: Orphanet 397715, MedGen C4225286, MONDO:0014688, OMIM 616546.

Allele frequency attached by ClinVar (database versions not stated): gnomAD 0.00004; gnomAD exomes 0.00004; ExAC 0.00007.
gnomAD v4.1: 59 of 1,531,612 alleles (0.0039%); highest among the groups gnomAD compares: Middle Eastern, 0.017%; no homozygotes.

Submission:

Labcorp Genetics (formerly Invitae), Labcorp
Classification: Uncertain significance for Joubert syndrome 23; Short-rib thoracic dysplasia 14 with polydactyly. Last evaluated: 2021-08-08. Review status: criteria provided, single submitter. Criteria: Invitae Variant Classification Sherloc (09022015). Collection method: clinical testing. Allele origin: germline.
Comment: In summary, the available evidence is currently insufficient to determine the role of this variant in disease. Therefore, it has been classified as a Variant of Uncertain Significance. Algorithms developed to predict the effect of missense changes on protein structure and function (SIFT, PolyPhen-2, Align-GVGD) all suggest that this variant is likely to be tolerated, but these predictions have not been confirmed by published functional studies and their clinical significance is uncertain. This variant has not been reported in the literature in individuals with KIAA0586-related conditions. While this variant is present in population databases (rs774592908), the frequency information is unreliable, as metrics indicate poor data quality at this position in the ExAC database. This sequence change replaces glycine with alanine at codon 669 of the KIAA0586 protein (p.Gly669Ala). The glycine residue is weakly conserved and there is a small physicochemical difference between glycine and alanine.

NM_001329943.3(KIAA0586):c.1847G>C (p.Gly616Ala)

Gene: KIAA0586 (KIAA0586; plus strand). Cytogenetic location: 14q23.1.
Variant type: single nucleotide variant.
Coding change: c.1847G>C on transcript NM_001329943.3 (MANE Select); coding-DNA position 1847, G replaced by C.
Protein change: p.Gly616Ala; replaces glycine 616 with alanine.
Molecular consequence: missense variant. On other transcripts: intron variant (1).
Genome position (GRCh38, 1-based): chr14:58,460,033, G>C. VCF-style: chr14-58460033-G-C. GRCh37 (hg19) VCF-style: chr14-58926751-G-C.
Other names: c.2006G>C, p.Gly669Ala (NM_001244189.2); c.1802G>C, p.Gly601Ala (NM_001244190.2); c.1592G>C, p.Gly531Ala (NM_001244191.2, NM_001329945.2, NM_001364700.1 and 1 more transcripts); c.1715G>C, p.Gly572Ala (NM_001244192.2); c.1427G>C, p.Gly476Ala (NM_001244193.2); c.1847G>C, p.Gly616Ala (NM_001329944.2, NM_001329946.2, NM_001329947.2); c.1657-953G>C (NM_014749.5); short protein forms G616A, G531A, G572A, G476A, G601A, G669A.
Identifiers: ClinVar variation 1509940 (VCV001509940.6), dbSNP rs774592908, ClinGen allele CA7205719.